The following is an entry in ClinVar:

ClinVar aggregate classification (germline): Pathogenic (1 of 4 stars; one submission).

Conditions:
CYP11B2-related disorder.

gnomAD v4.1: 7 of 1,614,006 alleles (0.00043%); highest among the groups gnomAD compares: Non-Finnish European, 0.00059%; no homozygotes.

Submission:

Clinical Biochemistry Laboratory, Health Services Laboratory
Classification: Pathogenic for CYP11B2-related disorder. Last evaluated: 2023-11-20. Review status: criteria provided, single submitter. Criteria: ACMG Guidelines, 2015. Collection method: clinical testing. Allele origin: germline. Affected: yes.
Comment: ACMG:PS3 PM2 PM3 PP3 PP4

NM_000498.3(CYP11B2):c.1471C>T (p.Pro491Ser)

Genes: CYP11B2 (cytochrome P450 family 11 subfamily B member 2; minus strand), LOC106799834 (CYP11B2 recombination region; plus strand). Cytogenetic location: 8q24.3.
Variant type: single nucleotide variant.
Coding change: c.1471C>T on transcript NM_000498.3 (MANE Select); coding-DNA position 1471, C replaced by T.
Protein change: p.Pro491Ser; replaces proline 491 with serine.
Molecular consequence: missense variant.
Genome position (GRCh38, 1-based): chr8:142,912,021, G>A on the plus strand (C>T on the coding strand, the complement: CYP11B2 is on the minus strand). VCF-style: chr8-142912021-G-A. GRCh37 (hg19) VCF-style: chr8-143993437-G-A.
Other names: short protein forms P491S.
Identifiers: ClinVar variation 2674696 (VCV002674696.1), dbSNP rs1586573244, ClinGen allele CA372385228.